The following is an entry in ClinVar:

ClinVar aggregate classification (germline): Uncertain significance (1 of 4 stars; one submission).

gnomAD v4.1: 1 of 1,612,532 alleles (0.000062%); highest among the groups gnomAD compares: Admixed American, 0.0017%; no homozygotes.

Submission:

Labcorp Genetics (formerly Invitae), Labcorp
Classification: Uncertain significance. Last evaluated: 2024-12-20. Review status: criteria provided, single submitter. Criteria: Invitae Variant Classification Sherloc (09022015). Collection method: clinical testing. Allele origin: germline.
Comment: This sequence change replaces proline, which is neutral and non-polar, with serine, which is neutral and polar, at codon 1668 of the COL11A1 protein (p.Pro1668Ser). This variant is present in population databases (no rsID available, gnomAD no frequency). This variant has not been reported in the literature in individuals affected with COL11A1-related conditions. Invitae Evidence Modeling of protein sequence and biophysical properties (such as structural, functional, and spatial information, amino acid conservation, physicochemical variation, residue mobility, and thermodynamic stability) indicates that this missense variant is not expected to disrupt COL11A1 protein function with a negative predictive value of 80%. In summary, the available evidence is currently insufficient to determine the role of this variant in disease. Therefore, it has been classified as a Variant of Uncertain Significance.

NM_001854.4(COL11A1):c.5002C>T (p.Pro1668Ser)

Gene: COL11A1 (collagen type XI alpha 1 chain; minus strand). Cytogenetic location: 1p21.1.
Variant type: single nucleotide variant.
Coding change: c.5002C>T on transcript NM_001854.4 (MANE Select); coding-DNA position 5002, C replaced by T.
Protein change: p.Pro1668Ser; replaces proline 1668 with serine.
Molecular consequence: missense variant. On other transcripts: non-coding transcript variant (1).
Genome position (GRCh38, 1-based): chr1:102,881,735, G>A on the plus strand (C>T on the coding strand, the complement: COL11A1 is on the minus strand). VCF-style: chr1-102881735-G-A. GRCh37 (hg19) VCF-style: chr1-103347291-G-A.
Other names: c.4885C>T, p.Pro1629Ser (NM_001190709.2); c.5038C>T, p.Pro1680Ser (NM_080629.3); c.4654C>T, p.Pro1552Ser (NM_080630.4); short protein forms P1680S, P1552S, P1629S, P1668S.
Identifiers: ClinVar variation 3680181 (VCV003680181.2).